The following is an entry in ClinVar:

NM_199420.4(POLQ):c.934G>A (p.Glu312Lys)

Gene: POLQ (DNA polymerase theta; minus strand). Cytogenetic location: 3q13.33.
Variant type: single nucleotide variant.
Coding change: c.934G>A on transcript NM_199420.4 (MANE Select); coding-DNA position 934, G replaced by A.
Protein change: p.Glu312Lys; replaces glutamic acid 312 with lysine.
Molecular consequence: missense variant.
Genome position (GRCh38, 1-based): chr3:121,533,016, C>T on the plus strand (G>A on the coding strand, the complement: POLQ is on the minus strand). VCF-style: chr3-121533016-C-T. GRCh37 (hg19) VCF-style: chr3-121251863-C-T.
Other names: short protein forms E312K.
Identifiers: ClinVar variation 3230186 (VCV003230186.1), dbSNP rs2546819008, ClinGen allele CA354125867.

ClinVar aggregate classification (germline): Uncertain significance (1 of 4 stars; one submission).

Submission:

Ambry Genetics
Classification: Uncertain significance. Last evaluated: 2023-12-11. Review status: criteria provided, single submitter. Criteria: Ambry Variant Classification Scheme 2023. Collection method: clinical testing. Allele origin: germline.
Comment: The p.E312K variant (also known as c.934G>A), located in coding exon 6 of the POLQ gene, results from a G to A substitution at nucleotide position 934. The glutamic acid at codon 312 is replaced by lysine, an amino acid with similar properties. This amino acid position is conserved. In addition, this alteration is predicted to be tolerated by in silico analysis. Since supporting evidence is limited at this time, the clinical significance of this alteration remains unclear.